The following is an entry in ClinVar:

ClinVar aggregate classification (germline): Conflicting classifications of pathogenicity. Review status: criteria provided, conflicting classifications (1 of 4 stars). 2 submissions from 2 submitters: Likely pathogenic (1); Uncertain significance (1). Last evaluated 2026-04-14.

Conditions:
Progressive familial intrahepatic cholestasis type 2. Identifiers: Orphanet 79304, MedGen C3489789, MONDO:0011156, OMIM 601847.
Familial intrahepatic cholestasis. Identifiers: Orphanet 284385, MedGen CN296401, MONDO:0017290.

Submissions (2):

Genomenon, Inc
Classification: Uncertain significance for Familial intrahepatic cholestasis. Last evaluated: 2026-04-14. Review status: criteria provided, single submitter. Criteria: Genomenon Sequence Variant Interpretation Standards - Updated. Collection method: curation. Allele origin: germline. Affected: yes.
Comment: ABCB11 p.Arg571Thr (c.1712G>C) is a missense variant that changes the amino acid at residue 571 from Arginine to Threonine. This variant has been observed in at least one proband with an ABCB11-related disorder (PMID:36995996). It is absent or not present at a significant frequency in gnomAD. In silico models predict that this variant is possibly or probably damaging. In conclusion, we classify ABCB11 p.Arg571Thr (c.1712G>C) as a variant of uncertain significance.

Natera, Inc.
Classification: Likely pathogenic for Progressive familial intrahepatic cholestasis type 2. Last evaluated: 2024-11-07. Review status: criteria provided, single submitter. Criteria: Natera Variant Classification Schema (03/2026). Collection method: clinical testing. Allele origin: germline.
Comment: The c.1712G>C variant in ABCB11 is a missense variant predicted to cause substitution of arginine to threonine at amino acid 571. This variant is rare in the general population with a frequency below the threshold expected for the associated phenotype(s). This variant has been observed in one or more individuals affected with the associated recessive disease, as either homozygous or compound heterozygous with a second variant (PMID: 36995996). A different variant at the same position has been determined to be Pathogenic or Likely Pathogenic. Computational prediction algorithms indicate this variant is likely to affect gene or protein function. Given the available evidence, this variant is classified as Likely Pathogenic.

Literature cited by the submitters: PubMed 36995996 (cited by Genomenon, Inc and Natera, Inc.).

NM_003742.4(ABCB11):c.1712G>C (p.Arg571Thr)

Gene: ABCB11 (ATP binding cassette subfamily B member 11; minus strand). Cytogenetic location: 2q31.1.
Variant type: single nucleotide variant.
Coding change: c.1712G>C on transcript NM_003742.4 (MANE Select); coding-DNA position 1712, G replaced by C.
Protein change: p.Arg571Thr; replaces arginine 571 with threonine.
Molecular consequence: missense variant.
Genome position (GRCh38, 1-based): chr2:168,970,142, C>G on the plus strand (G>C on the coding strand, the complement: ABCB11 is on the minus strand). VCF-style: chr2-168970142-C-G. GRCh37 (hg19) VCF-style: chr2-169826652-C-G.
Other names: short protein forms R571T.
Identifiers: ClinVar variation 4815262 (VCV004815262.2).
Genomic context (GRCh38, chr2:168,970,142, plus strand): 5'-TTGTCCAGAGCTGAGGTGGCCATGTCCAAAAGCAGAATCTTGGGATTTCGGATGAGGGCT[C>G]TGGCGATAGCTACCCTTTGTTTCTGGCCACCACTCATCTGGCCTCCTCCTTCTCCAACAA-3'
Protein context (NP_003733.2, residues 561-581): GGQKQRVAIA[Arg571Thr]ALIRNPKILL